The following is an entry in ClinVar:

NM_000388.4(CASR):c.2638G>C (p.Ala880Pro)

Gene: CASR (calcium sensing receptor; plus strand). Cytogenetic location: 3q21.1.
Variant type: single nucleotide variant.
Coding change: c.2638G>C on transcript NM_000388.4 (MANE Select); coding-DNA position 2638, G replaced by C.
Protein change: p.Ala880Pro; replaces alanine 880 with proline.
Molecular consequence: missense variant.
Genome position (GRCh38, 1-based): chr3:122,284,592, G>C. VCF-style: chr3-122284592-G-C. GRCh37 (hg19) VCF-style: chr3-122003439-G-C.
Other names: c.2668G>C, p.Ala890Pro (NM_001178065.2); short protein forms A880P, A890P.
Identifiers: ClinVar variation 446997 (VCV000446997.6), dbSNP rs763865303, ClinGen allele CA354160464.

ClinVar aggregate classification (germline): Uncertain significance. Review status: criteria provided, multiple submitters, no conflicts (2 of 4 stars). 3 submissions from 3 submitters: Uncertain significance (3). Last evaluated 2026-01-28.

Conditions:
Nephrolithiasis/nephrocalcinosis. Identifiers: MedGen CN580796.
Familial hypocalciuric hypercalcemia (FHH). Also called: Familial benign hypercalcemia. Identifiers: Orphanet 405, MedGen C1809471, MONDO:0018458.
Autosomal dominant hypocalcemia 1 (HYPOC1). Also called: HYPOCALCEMIA, FAMILIAL. Identifiers: MedGen C3715128, MONDO:0011013, OMIM 601198.

Submissions (3):

Labcorp Genetics (formerly Invitae), Labcorp
Classification: Uncertain significance for Familial hypocalciuric hypercalcemia; Autosomal dominant hypocalcemia 1. Last evaluated: 2026-01-28. Review status: criteria provided, single submitter. Criteria: Invitae Variant Classification Sherloc (09022015). Collection method: clinical testing. Allele origin: germline.
Comment: This sequence change replaces alanine, which is neutral and non-polar, with proline, which is neutral and non-polar, at codon 880 of the CASR protein (p.Ala880Pro). This variant is not present in population databases (gnomAD no frequency). This variant has not been reported in the literature in individuals affected with CASR-related conditions. ClinVar contains an entry for this variant (Variation ID: 446997). An algorithm developed to predict the effect of missense changes on protein structure and function (PolyPhen-2) suggests that this variant is likely to be disruptive. In summary, the available evidence is currently insufficient to determine the role of this variant in disease. Therefore, it has been classified as a Variant of Uncertain Significance.

Ambry Genetics
Classification: Uncertain significance for Nephrolithiasis/nephrocalcinosis. Last evaluated: 2019-03-23. Review status: criteria provided, single submitter. Criteria: Ambry Variant Classification Scheme 2023. Collection method: clinical testing. Allele origin: germline.
Comment: The p.A880P variant (also known as c.2638G>C), located in coding exon 6 of the CASR gene, results from a G to C substitution at nucleotide position 2638. The alanine at codon 880 is replaced by proline, an amino acid with highly similar properties. This amino acid position is highly conserved in available vertebrate species. In addition, this alteration is predicted to be deleterious by in silico analysis. Since supporting evidence is limited at this time, the clinical significance of this alteration remains unclear.

Athena Diagnostics
Classification: Uncertain significance. Last evaluated: 2017-04-03. Review status: criteria provided, single submitter. Criteria: Athena Diagnostics Criteria. Collection method: clinical testing. Allele origin: germline.